The following is an entry in ClinVar:

ClinVar aggregate classification (germline): Likely benign. Review status: reviewed by expert panel (3 of 4 stars). 2 submissions from 2 submitters: Likely benign (1). 1 of the submissions does not count toward it. Last evaluated 2024-11-04.

Conditions:
Hereditary thrombocytopenia and hematological cancer predisposition syndrome associated with RUNX1. Also called: Familial Platelet Disorder with Propensity to Acute Myelogenous Leukemia; Familial thrombocytopenia with propensity to acute myelogenous leukemia; PLATELET DISORDER, ASPIRIN-LIKE; RUNX1 Familial Platelet Disorder with Associated Myeloid Malignancies. Identifiers: Orphanet 71290, MedGen C1832388, MeSH C563324, MONDO:0100083, OMIM 601399.
Hereditary thrombocytopenia and hematologic cancer predisposition syndrome. Identifiers: Orphanet 71290, MedGen CN281654, MONDO:0011071.

Allele frequency attached by ClinVar (database versions not stated): gnomAD exomes below 0.00001.
gnomAD v4.1: 1 of 1,602,302 alleles (0.000062%); highest among the groups gnomAD compares: Non-Finnish European, 0.000085%; no homozygotes.

Submissions (2):

ClinGen Myeloid Malignancy Variant Curation Expert Panel
Classification: Likely benign for Hereditary thrombocytopenia and hematologic cancer predisposition syndrome. Last evaluated: 2024-11-04. Review status: reviewed by expert panel. Criteria: ClinGen MyeloMalig ACMG Specifications v2. Collection method: curation. Allele origin: germline. Inheritance: Autosomal dominant inheritance.
Comment: NM_001754.5(RUNX1):c.614-13C>T is an intronic variant which has a SpliceAI score ≤ 0.20 (0.01) (BP4). This variant has a SpliceAI score ≤ 0.20 (0.01) and evolutionary conservation prediction algorithms predict the site as not being conserved (PhyloP score ≤ 2.0 (0.36) (BP7). In summary, this variant meets criteria to be classified as likely benign. ACMG/AMP criteria applied, as specified by the Myeloid Malignancy Variant Curation Expert Panel for RUNX1: BP4, BP7

Labcorp Genetics (formerly Invitae), Labcorp
Classification: Likely benign for Hereditary thrombocytopenia and hematological cancer predisposition syndrome associated with RUNX1. Last evaluated: 2023-05-22. Review status: criteria provided, single submitter. Criteria: Invitae Variant Classification Sherloc (09022015). Collection method: clinical testing. Allele origin: germline. Not counted in ClinVar's aggregate classification.

NM_001754.5(RUNX1):c.614-13C>T

Gene: RUNX1 (RUNX family transcription factor 1; minus strand). Cytogenetic location: 21q22.12.
Variant type: single nucleotide variant.
Coding change: c.614-13C>T on transcript NM_001754.5 (MANE Select); 13 bases into the intron before coding-DNA position 614, C replaced by T.
Molecular consequence: intron variant.
Genome position (GRCh38, 1-based): chr21:34,834,614, G>A on the plus strand (C>T on the coding strand, the complement: RUNX1 is on the minus strand). VCF-style: chr21-34834614-G-A. GRCh37 (hg19) VCF-style: chr21-36206911-G-A.
Other names: c.533-13C>T (NM_001001890.3, NM_001122607.2).
Identifiers: ClinVar variation 2819591 (VCV002819591.4), dbSNP rs2517042709, ClinGen allele CA2577483681.